The following is an entry in ClinVar:

ClinVar aggregate classification (germline): Likely benign. Review status: criteria provided, multiple submitters, no conflicts (2 of 4 stars). 2 submissions from 2 submitters: Likely benign (2). Last evaluated 2025-09-22.

Conditions:
Inborn genetic diseases. Identifiers: MedGen C0950123, MeSH D030342.

Allele frequency attached by ClinVar (database versions not stated): gnomAD exomes 0.00002; gnomAD 0.00003; TOPMed 0.00003; ExAC 0.00004.
gnomAD v4.1: 36 of 1,613,470 alleles (0.0022%); highest among the groups gnomAD compares: Middle Eastern, 0.033%; no homozygotes.

Submissions (2):

Ambry Genetics
Classification: Likely benign for Inborn genetic diseases. Last evaluated: 2025-09-22. Review status: criteria provided, single submitter. Criteria: Ambry Variant Classification Scheme 2023. Collection method: clinical testing. Allele origin: germline.

CeGaT Center for Human Genetics Tuebingen
Classification: Likely benign. Last evaluated: 2024-02-01. Review status: criteria provided, single submitter. Criteria: CeGaT Center For Human Genetics Tuebingen Variant Classification Criteria Version 2. Collection method: clinical testing. Allele origin: germline. Affected: yes. Observed: 1 variant allele.
Comment: LMNB1: BS2

NM_005573.4(LMNB1):c.1582A>G (p.Lys528Glu)

Gene: LMNB1 (lamin B1; plus strand). Cytogenetic location: 5q23.2.
Variant type: single nucleotide variant.
Coding change: c.1582A>G on transcript NM_005573.4 (MANE Select); coding-DNA position 1582, A replaced by G.
Protein change: p.Lys528Glu; replaces lysine 528 with glutamic acid.
Molecular consequence: missense variant. On other transcripts: non-coding transcript variant (2).
Genome position (GRCh38, 1-based): chr5:126,826,078, A>G. VCF-style: chr5-126826078-A-G. GRCh37 (hg19) VCF-style: chr5-126161770-A-G.
Other names: c.1582A>G (NM_005573.3); c.952A>G, p.Lys318Glu (NM_001198557.2); short protein forms K318E, K528E.
Identifiers: ClinVar variation 3025725 (VCV003025725.22), dbSNP rs753129472, ClinGen allele CA3390760.
Genomic context (GRCh38, chr5:126,826,078, plus strand): 5'-AGCCCCCCAACTGACCTCATCTGGAAGAACCAGAACTCGTGGGGCACTGGCGAAGATGTG[A>G]AGGTTATATTGAAAAATTCTCAGGGAGAGGTATGGCCAGTTTATCAGGACCACCACAATG-3'
Protein context (NP_005564.1, residues 518-538): QNSWGTGEDV[Lys528Glu]VILKNSQGEE